The following is an entry in ClinVar:

NM_133261.3(GIPC3):c.20G>A (p.Arg7Gln)

Gene: GIPC3 (GIPC PDZ domain containing family member 3; plus strand). Cytogenetic location: 19p13.3.
Variant type: single nucleotide variant.
Coding change: c.20G>A on transcript NM_133261.3 (MANE Select); coding-DNA position 20, G replaced by A.
Protein change: p.Arg7Gln; replaces arginine 7 with glutamine.
Molecular consequence: missense variant.
Genome position (GRCh38, 1-based): chr19:3,585,617, G>A. VCF-style: chr19-3585617-G-A. GRCh37 (hg19) VCF-style: chr19-3585615-G-A.
Other names: short protein forms R7Q.
Identifiers: ClinVar variation 517411 (VCV000517411.9), dbSNP rs998073430, ClinGen allele CA304414313.

ClinVar aggregate classification (germline): Conflicting classifications of pathogenicity. Review status: criteria provided, conflicting classifications (1 of 4 stars). 4 submissions from 4 submitters: Uncertain significance (2); Likely benign (2). Last evaluated 2023-12-20.

Conditions:
Inborn genetic diseases. Identifiers: MedGen C0950123, MeSH D030342.

Allele frequency attached by ClinVar (database versions not stated): gnomAD 0.00028 and 0.00031; TOPMed 0.00040; 1000 Genomes Project 30x 0.00047.
gnomAD v4.1: 78 of 1,164,310 alleles (0.0067%); highest among the groups gnomAD compares: African/African-American, 0.1%; no homozygotes.

Submissions (4):

Ambry Genetics
Classification: Uncertain significance for Inborn genetic diseases. Last evaluated: 2023-12-20. Review status: criteria provided, single submitter. Criteria: Ambry Variant Classification Scheme 2023. Collection method: clinical testing. Allele origin: germline.

Labcorp Genetics (formerly Invitae), Labcorp
Classification: Uncertain significance. Last evaluated: 2023-04-07. Review status: criteria provided, single submitter. Criteria: Invitae Variant Classification Sherloc (09022015). Collection method: clinical testing. Allele origin: germline.
Comment: This variant is present in population databases (no rsID available, gnomAD 0.07%). In summary, the available evidence is currently insufficient to determine the role of this variant in disease. Therefore, it has been classified as a Variant of Uncertain Significance. Algorithms developed to predict the effect of missense changes on protein structure and function output the following: SIFT: "Not Available"; PolyPhen-2: "Not Available"; Align-GVGD: "Not Available". The glutamine amino acid residue is found in multiple mammalian species, which suggests that this missense change does not adversely affect protein function. ClinVar contains an entry for this variant (Variation ID: 517411). This variant has not been reported in the literature in individuals affected with GIPC3-related conditions. This sequence change replaces arginine, which is basic and polar, with glutamine, which is neutral and polar, at codon 7 of the GIPC3 protein (p.Arg7Gln).

GeneDx
Classification: Likely benign. Last evaluated: 2019-04-05. Review status: criteria provided, single submitter. Criteria: GeneDx Variant Classification Process June 2021. Collection method: clinical testing. Allele origin: germline. Affected: yes.

Laboratory for Molecular Medicine, Mass General Brigham Personalized Medicine
Classification: Likely benign. Last evaluated: 2017-06-28. Review status: criteria provided, single submitter. Criteria: LMM Criteria. Collection method: clinical testing. Allele origin: germline. Observed: 2 variant alleles.
Comment: p.Arg7Gln of GIPC3: This variant is not expected to have clinical significance d ue to a lack of conservation across species, including mammals. Of note, 19 spec ies carry a glutamine (Gln) at this position, supporting that this change may be tolerated. In addition, computational prediction tools do not suggest a high li kelihood of impact to the protein. It has also been identified in 6/8510 African chromosomes by the genome Aggregation Database (gnomAD; dbSNP rs998073430).